The following is an entry in ClinVar:

ClinVar aggregate classification (germline): Uncertain significance (1 of 4 stars; one submission).

Conditions:
DK1-congenital disorder of glycosylation. Also called: DOLK-congenital disorder of glycosylation; Carbohydrate deficient glycoprotein syndrome type 1m; CONGENITAL DISORDER OF GLYCOSYLATION, TYPE Im; DK1 DEFICIENCY; DOLICHOL KINASE DEFICIENCY; DK1-CDG. Identifiers: Orphanet 91131, MedGen C1835849, MONDO:0012556, OMIM 610768.

Submission:

Labcorp Genetics (formerly Invitae), Labcorp
Classification: Uncertain significance for DK1-congenital disorder of glycosylation. Last evaluated: 2024-10-18. Review status: criteria provided, single submitter. Criteria: Invitae Variant Classification Sherloc (09022015). Collection method: clinical testing. Allele origin: germline.
Comment: This sequence change replaces alanine, which is neutral and non-polar, with threonine, which is neutral and polar, at codon 22 of the DOLK protein (p.Ala22Thr). This variant is not present in population databases (gnomAD no frequency). This variant has not been reported in the literature in individuals affected with DOLK-related conditions. ClinVar contains an entry for this variant (Variation ID: 1472527). An algorithm developed to predict the effect of missense changes on protein structure and function (PolyPhen-2) suggests that this variant is likely to be disruptive. In summary, the available evidence is currently insufficient to determine the role of this variant in disease. Therefore, it has been classified as a Variant of Uncertain Significance.

NM_014908.4(DOLK):c.64G>A (p.Ala22Thr)

Gene: DOLK (dolichol kinase; minus strand). Cytogenetic location: 9q34.11.
Variant type: single nucleotide variant.
Coding change: c.64G>A on transcript NM_014908.4 (MANE Select); coding-DNA position 64, G replaced by A.
Protein change: p.Ala22Thr; replaces alanine 22 with threonine.
Molecular consequence: missense variant.
Genome position (GRCh38, 1-based): chr9:128,947,240, C>T on the plus strand (G>A on the coding strand, the complement: DOLK is on the minus strand). VCF-style: chr9-128947240-C-T. GRCh37 (hg19) VCF-style: chr9-131709519-C-T.
Other names: short protein forms A22T.
Identifiers: ClinVar variation 1472527 (VCV001472527.6), dbSNP rs2131129407, ClinGen allele CA375128752.